The following is an entry in ClinVar:

NM_001394372.1(BICRA):c.901C>T (p.Leu301Phe)

Gene: BICRA (BRD4 interacting chromatin remodeling complex associated protein; plus strand). Cytogenetic location: 19q13.33.
Variant type: single nucleotide variant.
Coding change: c.901C>T on transcript NM_001394372.1 (MANE Select); coding-DNA position 901, C replaced by T.
Protein change: p.Leu301Phe; replaces leucine 301 with phenylalanine.
Molecular consequence: missense variant.
Genome position (GRCh38, 1-based): chr19:47,680,071, C>T. VCF-style: chr19-47680071-C-T. GRCh37 (hg19) VCF-style: chr19-48183328-C-T.
Other names: c.901C>T, p.Leu301Phe (NM_015711.3); short protein forms L301F.
Identifiers: ClinVar variation 2650160 (VCV002650160.25), dbSNP rs748949915, ClinGen allele CA9541625.

ClinVar aggregate classification (germline): Conflicting classifications of pathogenicity. Review status: criteria provided, conflicting classifications (1 of 4 stars). 2 submissions from 2 submitters: Uncertain significance (1); Benign (1). Last evaluated 2025-12-01.

Allele frequency attached by ClinVar (database versions not stated): TOPMed 0.00001; gnomAD 0.00007; ExAC 0.00092.
gnomAD v4.1: 164 of 1,564,446 alleles (0.01%); highest among the groups gnomAD compares: South Asian, 0.18%; 1 homozygote.

Submissions (2):

CeGaT Center for Human Genetics Tuebingen
Classification: Benign. Last evaluated: 2025-12-01. Review status: criteria provided, single submitter. Criteria: CeGaT Center For Human Genetics Tuebingen Variant Classification Criteria Version 2. Collection method: clinical testing. Allele origin: germline. Affected: yes. Observed: 2 variant alleles.
Comment: BICRA: BS1, BS2

Ambry Genetics
Classification: Uncertain significance. Last evaluated: 2024-03-07. Review status: criteria provided, single submitter. Criteria: Ambry Variant Classification Scheme 2023. Collection method: clinical testing. Allele origin: germline.